The following is an entry in ClinVar:

ClinVar aggregate classification (germline): Pathogenic (1 of 4 stars; one submission).

Conditions:
Hereditary cancer-predisposing syndrome. Also called: Neoplastic Syndromes, Hereditary; Tumor predisposition; Hereditary Cancer Syndrome; Hereditary neoplastic syndrome. Identifiers: Orphanet 140162, MedGen C0027672, MeSH D009386, MONDO:0015356.

Submission:

Ambry Genetics
Classification: Pathogenic for Hereditary cancer-predisposing syndrome. Last evaluated: 2018-12-03. Review status: criteria provided, single submitter. Criteria: Ambry Variant Classification Scheme 2023. Collection method: clinical testing. Allele origin: germline.
Comment: The c.1047_1049+168del171insATCAATAA pathogenic mutation, spanning the exon-intron boundary of coding exon 10 in the RB1 gene, is caused by the deletion of the last 3 nucleotides of coding exon 10 and the first 168 nucleotides of intron 10 followed by an insertion of 8 nucleotides, causing a disruption of the canonical donor splice site. Alterations that disrupt the canonical splice site are expected to cause aberrant splicing, resulting in an abnormal protein or a transcript that is subject to nonsense-mediated mRNA decay. As such, this alteration is classified as a disease-causing mutation.

NM_000321.3(RB1):c.1047_1049+168delinsATCAATAA

Gene: RB1 (RB transcriptional corepressor 1; plus strand). Cytogenetic location: 13q14.2.
Variant type: Indel.
Coding change: c.1047_1049+168delinsATCAATAA on transcript NM_000321.3 (MANE Select); coding-DNA position 1047 through 168 bases into the intron after coding-DNA position 1049, the reference bases replaced by ATCAATAA.
Molecular consequence: splice donor variant.
Genome position (GRCh38, 1-based): chr13:48,367,601-48,367,771, 171 bases replaced. GRCh37 (hg19): chr13:48,941,737-48,941,907.
Identifiers: ClinVar variation 1775581 (VCV001775581.2), dbSNP rs2542188725, ClinGen allele CA2580087567.